The following is an entry in ClinVar:

NM_002693.3(POLG):c.2047G>C (p.Asp683His)

Gene: POLG (DNA polymerase gamma, catalytic subunit; minus strand). Cytogenetic location: 15q26.1.
Variant type: single nucleotide variant.
Coding change: c.2047G>C on transcript NM_002693.3 (MANE Select); coding-DNA position 2047, G replaced by C.
Protein change: p.Asp683His; replaces aspartic acid 683 with histidine.
Molecular consequence: missense variant.
Genome position (GRCh38, 1-based): chr15:89,324,130, C>G on the plus strand (G>C on the coding strand, the complement: POLG is on the minus strand). VCF-style: chr15-89324130-C-G. GRCh37 (hg19) VCF-style: chr15-89867361-C-G.
Other names: c.2047G>C, p.Asp683His (NM_001126131.2); short protein forms D683H.
Identifiers: ClinVar variation 1003909 (VCV001003909.12), dbSNP rs2055438033, ClinGen allele CA393757491.

ClinVar aggregate classification (germline): Uncertain significance (1 of 4 stars; one submission).

Conditions:
Progressive sclerosing poliodystrophy (MTDPS4A). Also called: ALPERS PROGRESSIVE INFANTILE POLIODYSTROPHY; ALPERS DIFFUSE DEGENERATION OF CEREBRAL GRAY MATTER WITH HEPATIC CIRRHOSIS; Alpers-Huttenlocher Syndrome; NEURONAL DEGENERATION OF CHILDHOOD WITH LIVER DISEASE, PROGRESSIVE; Alpers Syndrome; Mitochondrial DNA Depletion Syndrome 4A. Identifiers: Orphanet 726, MedGen C0205710, MONDO:0008758, OMIM 203700.

Submission:

Labcorp Genetics (formerly Invitae), Labcorp
Classification: Uncertain significance for Progressive sclerosing poliodystrophy. Last evaluated: 2025-09-08. Review status: criteria provided, single submitter. Criteria: Invitae Variant Classification Sherloc (09022015). Collection method: clinical testing. Allele origin: germline.
Comment: This sequence change replaces aspartic acid, which is acidic and polar, with histidine, which is basic and polar, at codon 683 of the POLG protein (p.Asp683His). This variant is not present in population databases (gnomAD no frequency). This variant has not been reported in the literature in individuals affected with POLG-related conditions. ClinVar contains an entry for this variant (Variation ID: 1003909). Invitae Evidence Modeling of protein sequence and biophysical properties (such as structural, functional, and spatial information, amino acid conservation, physicochemical variation, residue mobility, and thermodynamic stability) has been performed for this missense variant. However, the output from this modeling did not meet the statistical confidence thresholds required to predict the impact of this variant on POLG protein function. In summary, the available evidence is currently insufficient to determine the role of this variant in disease. Therefore, it has been classified as a Variant of Uncertain Significance.